The following is an entry in ClinVar:

ClinVar aggregate classification (germline): Uncertain significance (1 of 4 stars; one submission).

Conditions:
Dilated cardiomyopathy 1DD (CMD1DD). Identifiers: Orphanet 154, MedGen C2750995, MONDO:0013168, OMIM 613172.

Allele frequency attached by ClinVar (database versions not stated): TOPMed 0.00001; gnomAD 0.00002.
gnomAD v4.1: 6 of 1,551,654 alleles (0.00039%); highest among the groups gnomAD compares: African/African-American, 0.0014%; no homozygotes.

Submission:

Labcorp Genetics (formerly Invitae), Labcorp
Classification: Uncertain significance for Dilated cardiomyopathy 1DD. Last evaluated: 2024-02-14. Review status: criteria provided, single submitter. Criteria: Invitae Variant Classification Sherloc (09022015). Collection method: clinical testing. Allele origin: germline.
Comment: This sequence change replaces aspartic acid, which is acidic and polar, with asparagine, which is neutral and polar, at codon 939 of the RBM20 protein (p.Asp939Asn). This variant is present in population databases (no rsID available, gnomAD 0.007%). This variant has not been reported in the literature in individuals affected with RBM20-related conditions. ClinVar contains an entry for this variant (Variation ID: 1504165). Advanced modeling of protein sequence and biophysical properties (such as structural, functional, and spatial information, amino acid conservation, physicochemical variation, residue mobility, and thermodynamic stability) performed at Invitae indicates that this missense variant is not expected to disrupt RBM20 protein function with a negative predictive value of 95%. In summary, the available evidence is currently insufficient to determine the role of this variant in disease. Therefore, it has been classified as a Variant of Uncertain Significance.

NM_001134363.3(RBM20):c.2815G>A (p.Asp939Asn)

Gene: RBM20 (RNA binding motif protein 20; plus strand). Cytogenetic location: 10q25.2.
Variant type: single nucleotide variant.
Coding change: c.2815G>A on transcript NM_001134363.3 (MANE Select); coding-DNA position 2815, G replaced by A.
Protein change: p.Asp939Asn; replaces aspartic acid 939 with asparagine.
Molecular consequence: missense variant.
Genome position (GRCh38, 1-based): chr10:110,821,434, G>A. VCF-style: chr10-110821434-G-A. GRCh37 (hg19) VCF-style: chr10-112581192-G-A.
Other names: short protein forms D939N.
Identifiers: ClinVar variation 1504165 (VCV001504165.7), dbSNP rs1442138837, ClinGen allele CA378377776.